The following is an entry in ClinVar:

ClinVar aggregate classification (germline): Likely pathogenic (1 of 4 stars; one submission).

gnomAD v4.1: 2 of 1,614,090 alleles (0.00012%); highest among the groups gnomAD compares: South Asian, 0.0011%; no homozygotes.

Submission:

GeneDx
Classification: Likely pathogenic. Last evaluated: 2024-01-31. Review status: criteria provided, single submitter. Criteria: GeneDx Variant Classification Process June 2021. Collection method: clinical testing. Allele origin: germline. Affected: yes.
Comment: Nonsense variant in the C-terminus predicted to result in protein truncation, as the last 26 amino acids are lost, and other loss-of-function variants have been reported downstream in HGMD; Not observed at significant frequency in large population cohorts (gnomAD); Has not been previously published as pathogenic or benign to our knowledge

NM_004999.4(MYO6):c.3778C>T (p.Gln1260Ter)

Gene: MYO6 (myosin VI; plus strand). Cytogenetic location: 6q14.1.
Variant type: single nucleotide variant.
Coding change: c.3778C>T on transcript NM_004999.4 (MANE Select); coding-DNA position 3778, C replaced by T.
Protein change: p.Gln1260Ter; replaces glutamine 1260 with a stop codon.
Molecular consequence: nonsense. On other transcripts: non-coding transcript variant (1).
Genome position (GRCh38, 1-based): chr6:75,914,932, C>T. VCF-style: chr6-75914932-C-T. GRCh37 (hg19) VCF-style: chr6-76624649-C-T.
Other names: c.3709C>T, p.Gln1237Ter (NM_001300899.2); c.3682C>T, p.Gln1228Ter (NM_001368136.1); c.3739C>T, p.Gln1247Ter (NM_001368137.1); c.3694C>T, p.Gln1232Ter (NM_001368138.1); c.3805C>T, p.Gln1269Ter (NM_001368865.1); c.3778C>T, p.Gln1260Ter (NM_001368866.1); short protein forms Q1228*, Q1232*, Q1237*, Q1247*, Q1260*, Q1269*.
Identifiers: ClinVar variation 3342511 (VCV003342511.1).